The following is an entry in ClinVar:

ClinVar aggregate classification (germline): Uncertain significance (1 of 4 stars; one submission).

Submission:

Mayo Clinic Laboratories, Mayo Clinic
Classification: Uncertain significance. Last evaluated: 2024-02-27. Review status: criteria provided, single submitter. Criteria: ACMG Guidelines, 2015. Collection method: clinical testing. Allele origin: germline. Observed: 1 variant allele.
Comment: PM2

NM_000278.5(PAX2):c.616+5578T>C

Genes: PAX2 (paired box 2; plus strand), LOC110120845 (VISTA enhancer hs229; plus strand). Cytogenetic location: 10q24.31.
Variant type: single nucleotide variant.
Coding change: c.616+5578T>C on transcript NM_000278.5 (MANE Select); 5578 bases into the intron after coding-DNA position 616, T replaced by C.
Molecular consequence: intron variant. On other transcripts: missense variant (2).
Genome position (GRCh38, 1-based): chr10:100,786,943, T>C. VCF-style: chr10-100786943-T-C. GRCh37 (hg19) VCF-style: chr10-102546700-T-C.
Other names: p.Val206Ala; c.617T>C, p.Val206Ala (NM_003987.5, NM_003990.5); c.709+5578T>C (NM_001304569.2); c.616+5578T>C (NM_003988.5, NM_003989.5); short protein forms V206A.
Identifiers: ClinVar variation 3379983 (VCV003379983.1).
Genomic context (GRCh38, chr10:100,786,943, plus strand): 5'-TCTTCTGCCTGCCTGTCTTTCGGGATCTCTCAGTGTTTGTCTGTCTCTTATTTGCTCTAG[T>C]TGAGGTATACACTGATCCTGCCCACATTAGAGGAGGTGGAGGTTTGCATCTGGTCTGGAC-3'